The following is an entry in ClinVar:

ClinVar aggregate classification (germline): Benign/Likely benign. Review status: criteria provided, multiple submitters, no conflicts (2 of 4 stars). 3 submissions from 3 submitters: Benign (1); Likely benign (1). 1 of the submissions does not count toward it. Last evaluated 2025-11-21.

Conditions:
ATL3-related disorder. Also called: ATL3-related condition.
Neuropathy, hereditary sensory, type 1F. Also called: HSN IF; Hereditary sensory neuropathy type IF. Identifiers: Orphanet 36386, MedGen C3810194, MONDO:0014286, OMIM 615632.

Allele frequency attached by ClinVar (database versions not stated): gnomAD 0.00014 and 0.00025; TOPMed 0.00026; gnomAD exomes 0.00027 and 0.00070; ExAC 0.00076; 1000 Genomes Project 30x 0.00141; 1000 Genomes Project 0.00160.
gnomAD v4.1: 457 of 1,608,698 alleles (0.028%); highest among the groups gnomAD compares: East Asian, 0.92%; 4 homozygotes.

Submissions (3):

Labcorp Genetics (formerly Invitae), Labcorp
Classification: Benign for Neuropathy, hereditary sensory, type 1F. Last evaluated: 2025-11-21. Review status: criteria provided, single submitter. Criteria: Invitae Variant Classification Sherloc (09022015). Collection method: clinical testing. Allele origin: germline.

Blueprint Genetics
Classification: Likely benign. Last evaluated: 2024-09-18. Review status: criteria provided, single submitter. Criteria: ACMG Guidelines, 2015. Collection method: clinical testing. Allele origin: germline.

PreventionGenetics, part of Exact Sciences
Classification: Benign for ATL3-related condition. Last evaluated: 2019-03-27. Review status: no assertion criteria provided. Collection method: clinical testing. Allele origin: germline. Not counted in ClinVar's aggregate classification.
Comment: This variant is classified as benign based on ACMG/AMP sequence variant interpretation guidelines (Richards et al. 2015 PMID: 25741868, with internal and published modifications).

NM_015459.5(ATL3):c.978+9G>A

Genes: ATL3 (atlastin GTPase 3; minus strand), LNCROPM (lncRNA regulator of PLAAT3 mediated phospholipid metabolism; plus strand). Cytogenetic location: 11q13.1.
Variant type: single nucleotide variant.
Coding change: c.978+9G>A on transcript NM_015459.5 (MANE Select); 9 bases into the intron after coding-DNA position 978, G replaced by A.
Molecular consequence: intron variant.
Genome position (GRCh38, 1-based): chr11:63,636,198, C>T on the plus strand (G>A on the coding strand, the complement: ATL3 is on the minus strand). VCF-style: chr11-63636198-C-T. GRCh37 (hg19) VCF-style: chr11-63403670-C-T.
Other names: c.924+9G>A (NM_001290048.2).
Identifiers: ClinVar variation 474842 (VCV000474842.15), dbSNP rs3781606, ClinGen allele CA6063639.